The following is an entry in ClinVar:

NM_002047.4(GARS1):c.968C>T (p.Ala323Val)

Gene: GARS1 (glycyl-tRNA synthetase 1; plus strand). Cytogenetic location: 7p14.3.
Variant type: single nucleotide variant.
Coding change: c.968C>T on transcript NM_002047.4 (MANE Select); coding-DNA position 968, C replaced by T.
Protein change: p.Ala323Val; replaces alanine 323 with valine.
Molecular consequence: missense variant.
Genome position (GRCh38, 1-based): chr7:30,612,182, C>T. VCF-style: chr7-30612182-C-T. GRCh37 (hg19) VCF-style: chr7-30651798-C-T.
Other names: c.806C>T, p.Ala269Val (NM_001316772.1); short protein forms A269V, A323V.
Identifiers: ClinVar variation 1680919 (VCV001680919.8), dbSNP rs2128134021, ClinGen allele CA367125118.
Genomic context (GRCh38, chr7:30,612,182, plus strand): 5'-GGATTTTCTTGAATTTCAAACGACTTTTGGAGTTCAACCAAGGAAAGTTGCCTTTTGCTG[C>T]TGCCCAGATTGGAAATTCTTTTAGAAATGAGATCTCCCCTCGATCTGGACTGATCAGAGT-3'
Protein context (NP_002038.2, residues 313-333): EFNQGKLPFA[Ala323Val]AQIGNSFRNE

ClinVar aggregate classification (germline): Uncertain significance (1 of 4 stars; one submission).

Conditions:
Charcot-Marie-Tooth disease type 2. Also called: Charcot-Marie-Tooth type 2. Identifiers: Orphanet 64746, MedGen C0270914, MONDO:0018993.

Submission:

Labcorp Genetics (formerly Invitae), Labcorp
Classification: Uncertain significance for Charcot-Marie-Tooth disease type 2. Last evaluated: 2021-07-08. Review status: criteria provided, single submitter. Criteria: Invitae Variant Classification Sherloc (09022015). Collection method: clinical testing. Allele origin: germline.
Comment: In summary, the available evidence is currently insufficient to determine the role of this variant in disease. Therefore, it has been classified as a Variant of Uncertain Significance. Algorithms developed to predict the effect of missense changes on protein structure and function are either unavailable or do not agree on the potential impact of this missense change (SIFT: "Tolerated"; PolyPhen-2: "Possibly Damaging"; Align-GVGD: "Class C0"). This variant has not been reported in the literature in individuals affected with GARS-related conditions. This variant is not present in population databases (ExAC no frequency). This sequence change replaces alanine with valine at codon 323 of the GARS protein (p.Ala323Val). The alanine residue is highly conserved and there is a small physicochemical difference between alanine and valine.